The following is an entry in ClinVar:

NC_000002.11:g.(?_44527090)_(44528286_?)del

Gene: SLC3A1 (solute carrier family 3 member 1; plus strand). Cytogenetic location: 2p21.
Variant type: Deletion.
Identifiers: ClinVar variation 2422933 (VCV002422933.4).

ClinVar aggregate classification (germline): Pathogenic (1 of 4 stars; one submission).

Conditions:
Cystinuria (CSNU). Also called: CYSTINURIA, TYPE I; CYSTINURIA, TYPE II; CYSTINURIA, TYPE III; Cystinuria, non-type I. Identifiers: Orphanet 214, MedGen C0010691, MONDO:0009067, OMIM 220100, HP:0003131.

Submission:

Labcorp Genetics (formerly Invitae), Labcorp
Classification: Pathogenic for Cystinuria. Last evaluated: 2022-04-22. Review status: criteria provided, single submitter. Criteria: Invitae Variant Classification Sherloc (09022015). Collection method: clinical testing. Allele origin: germline.
Comment: This variant is a gross deletion of the genomic region encompassing exon(s) 5-6 of the SLC3A1 gene. This deletion is out-of-frame, and is expected to create a premature termination codon and result in an absent or disrupted protein product. Loss-of-function variants in SLC3A1 are known to be pathogenic (PMID: 24610330, 25109415, 25964309). A similar copy number variant has been observed in individual(s) with cystinuria (PMID: 19782624). For these reasons, this variant has been classified as Pathogenic.

Literature cited by the submitters: PubMed 24610330; PubMed 25109415; PubMed 25964309; PubMed 19782624.